The following is an entry in ClinVar:

ClinVar aggregate classification (germline): Uncertain significance. Review status: criteria provided, multiple submitters, no conflicts (2 of 4 stars). 3 submissions from 3 submitters: Uncertain significance (3). Last evaluated 2025-01-21.

Conditions:
Inborn genetic diseases. Identifiers: MedGen C0950123, MeSH D030342.

Allele frequency attached by ClinVar (database versions not stated): TOPMed 0.00003; ESP Exome Variant Server 0.00008.
gnomAD v4.1: 97 of 1,614,014 alleles (0.006%); highest among the groups gnomAD compares: Non-Finnish European, 0.0075%; no homozygotes.

Submissions (3):

Ambry Genetics
Classification: Uncertain significance for Inborn genetic diseases. Last evaluated: 2025-01-21. Review status: criteria provided, single submitter. Criteria: Ambry Variant Classification Scheme 2023. Collection method: clinical testing. Allele origin: germline.

CeGaT Center for Human Genetics Tuebingen
Classification: Uncertain significance. Last evaluated: 2024-05-01. Review status: criteria provided, single submitter. Criteria: CeGaT Center For Human Genetics Tuebingen Variant Classification Criteria Version 2. Collection method: clinical testing. Allele origin: germline. Affected: yes. Observed: 1 variant allele.
Comment: CCN6: PM2, BP4

Labcorp Genetics (formerly Invitae), Labcorp
Classification: Uncertain significance. Last evaluated: 2021-11-12. Review status: criteria provided, single submitter. Criteria: Invitae Variant Classification Sherloc (09022015). Collection method: clinical testing. Allele origin: germline.
Comment: This sequence change replaces proline, which is neutral and non-polar, with alanine, which is neutral and non-polar, at codon 26 of the WISP3 protein (p.Pro26Ala). This variant is present in population databases (rs372990864, gnomAD 0.02%). This variant has not been reported in the literature in individuals affected with WISP3-related conditions. Algorithms developed to predict the effect of missense changes on protein structure and function (SIFT, PolyPhen-2, Align-GVGD) all suggest that this variant is likely to be tolerated. In summary, the available evidence is currently insufficient to determine the role of this variant in disease. Therefore, it has been classified as a Variant of Uncertain Significance.

NM_198239.2(CCN6):c.76C>G (p.Pro26Ala)

Gene: CCN6 (cellular communication network factor 6; plus strand). Cytogenetic location: 6q21.
Variant type: single nucleotide variant.
Coding change: c.76C>G on transcript NM_198239.2 (MANE Select); coding-DNA position 76, C replaced by G.
Protein change: p.Pro26Ala; replaces proline 26 with alanine.
Molecular consequence: missense variant. On other transcripts: non-coding transcript variant (2).
Genome position (GRCh38, 1-based): chr6:112,061,018, C>G. VCF-style: chr6-112061018-C-G. GRCh37 (hg19) VCF-style: chr6-112382221-C-G.
Other names: c.76C>G (NM_003880.3); c.76C>G, p.Pro26Ala (NM_003880.4); short protein forms P26A.
Identifiers: ClinVar variation 1680454 (VCV001680454.23), dbSNP rs372990864, ClinGen allele CA3963904.